The following is an entry in ClinVar:

NM_152722.5(HEPACAM):c.1228G>C (p.Gly410Arg)

Gene: HEPACAM (hepatic and glial cell adhesion molecule; minus strand). Cytogenetic location: 11q24.2.
Variant type: single nucleotide variant.
Coding change: c.1228G>C on transcript NM_152722.5 (MANE Select); coding-DNA position 1228, G replaced by C.
Protein change: p.Gly410Arg; replaces glycine 410 with arginine.
Molecular consequence: missense variant.
Genome position (GRCh38, 1-based): chr11:124,921,161, C>G on the plus strand (G>C on the coding strand, the complement: HEPACAM is on the minus strand). VCF-style: chr11-124921161-C-G. GRCh37 (hg19) VCF-style: chr11-124791057-C-G.
Other names: c.1384G>C, p.Gly462Arg (NM_001411043.1); c.1225G>C, p.Gly409Arg (NM_001441320.1); short protein forms G462R, G409R, G410R.
Identifiers: ClinVar variation 4980150 (VCV004980150.1).

ClinVar aggregate classification (germline): Uncertain significance (1 of 4 stars; one submission).

Conditions:
HEPACAM-related disorder. Also called: HEPACAM-related condition.

gnomAD v4.1: 1 of 1,527,944 alleles (0.000065%); highest among the groups gnomAD compares: Admixed American, 0.002%; no homozygotes.

Submission:

PreventionGenetics, part of Exact Sciences
Classification: Uncertain significance for HEPACAM-related condition. Last evaluated: 2025-04-05. Review status: criteria provided, single submitter. Criteria: ACMG Guidelines, 2015. Collection method: clinical testing. Allele origin: germline.
Comment: The HEPACAM c.1228G>C variant is predicted to result in the amino acid substitution p.Gly410Arg. To our knowledge, this variant has not been reported in the literature or in a large population database (gnomAD), indicating this variant is rare. At this time, the clinical significance of this variant is uncertain due to the absence of conclusive functional and genetic evidence.